The following is an entry in ClinVar:

NM_015374.3(SUN2):c.929T>C (p.Leu310Pro)

Genes: GTPBP1 (GTP binding protein 1; plus strand), SUN2 (Sad1 and UNC84 domain containing 2; minus strand). Cytogenetic location: 22q13.1.
Variant type: single nucleotide variant.
Coding change: c.929T>C on transcript NM_015374.3 (MANE Select); coding-DNA position 929, T replaced by C.
Protein change: p.Leu310Pro; replaces leucine 310 with proline.
Molecular consequence: missense variant. On other transcripts: intron variant (3).
Genome position (GRCh38, 1-based): chr22:38,742,440, A>G on the plus strand (T>C on the coding strand, the complement: SUN2 is on the minus strand). VCF-style: chr22-38742440-A-G. GRCh37 (hg19) VCF-style: chr22-39138445-A-G.
Other names: c.615-2008T>C (NM_001394444.1, NM_001394445.1); c.814-2030T>C (NM_001394442.1); c.929T>C, p.Leu310Pro (NM_001394434.1, NM_001394435.1, NM_001394436.1 and 5 more transcripts); c.839T>C, p.Leu280Pro (NM_001394438.1); c.791T>C, p.Leu264Pro (NM_001394439.1, NM_001394440.1, NM_001394441.1); c.437T>C, p.Leu146Pro (NM_001394443.1); c.992T>C, p.Leu331Pro (NM_001199579.2, NM_001394428.1); c.1022T>C, p.Leu341Pro (NM_001394427.1); and 1 more; short protein forms L325P, L310P, L341P, L264P, L331P, L146P, L280P.
Identifiers: ClinVar variation 2919462 (VCV002919462.3), dbSNP rs757604996, ClinGen allele CA10235716.

ClinVar aggregate classification (germline): Uncertain significance (1 of 4 stars; one submission).

Conditions:
Emery-Dreifuss muscular dystrophy (EDMD). Also called: Scapuloperoneal syndrome, X-linked (formerly); Humeroperoneal neuromuscular disease, (formerly). Identifiers: Orphanet 261, MedGen C0410189, MONDO:0016830.

Allele frequency attached by ClinVar (database versions not stated): gnomAD exomes below 0.00001; ExAC 0.00001.
gnomAD v4.1: 3 of 1,613,530 alleles (0.00019%); highest among the groups gnomAD compares: Non-Finnish European, 0.00025%; no homozygotes.

Submission:

Labcorp Genetics (formerly Invitae), Labcorp
Classification: Uncertain significance for Emery-Dreifuss muscular dystrophy. Last evaluated: 2023-06-17. Review status: criteria provided, single submitter. Criteria: Invitae Variant Classification Sherloc (09022015). Collection method: clinical testing. Allele origin: germline.
Comment: In summary, the available evidence is currently insufficient to determine the role of this variant in disease. Therefore, it has been classified as a Variant of Uncertain Significance. An algorithm developed to predict the effect of missense changes on protein structure and function (PolyPhen-2) suggests that this variant is likely to be disruptive. This variant has not been reported in the literature in individuals affected with SUN2-related conditions. This variant is present in population databases (rs757604996, gnomAD 0.0009%). This sequence change replaces leucine, which is neutral and non-polar, with proline, which is neutral and non-polar, at codon 310 of the SUN2 protein (p.Leu310Pro).